The following is an entry in ClinVar:

ClinVar aggregate classification (germline): Conflicting classifications of pathogenicity. Review status: criteria provided, conflicting classifications (1 of 4 stars). 7 submissions from 7 submitters: Uncertain significance (5); Likely benign (2). Last evaluated 2025-10-09.

Conditions:
Inborn genetic diseases. Identifiers: MedGen C0950123, MeSH D030342.
Emery-Dreifuss muscular dystrophy 4, autosomal dominant (EDMD4). Also called: EMERY-DREIFUSS MUSCULAR DYSTROPHY 4 WITH VARIABLE FEATURES. Identifiers: Orphanet 261, MedGen C2751807, MONDO:0013071, OMIM 612998.
Autosomal recessive ataxia, Beauce type. Also called: Spinocerebellar ataxia, autosomal recessive 8; SYNE1 Deficiency; ATAXIA, RECESSIVE, OF BEAUCE; SYNE1-Related Autosomal Recessive Cerebellar Ataxia. Identifiers: Orphanet 88644, MedGen C1853116, MONDO:0012549, OMIM 610743.

Allele frequency attached by ClinVar (database versions not stated): gnomAD exomes 0.00010; ExAC 0.00014; gnomAD 0.00038 and 0.00039; ESP Exome Variant Server 0.00054; TOPMed 0.00058; 1000 Genomes Project 0.00060; 1000 Genomes Project 30x 0.00062.
gnomAD v4.1: 124 of 1,614,122 alleles (0.0077%); highest among the groups gnomAD compares: African/African-American, 0.13%; no homozygotes.

Submissions (7):

Mayo Clinic Laboratories, Mayo Clinic
Classification: Likely benign. Last evaluated: 2025-10-09. Review status: criteria provided, single submitter. Criteria: ACMG Guidelines, 2015. Collection method: clinical testing. Allele origin: germline. Observed: 1 variant allele.
Comment: BS1, BP4_moderate

Labcorp Genetics (formerly Invitae), Labcorp
Classification: Uncertain significance for Emery-Dreifuss muscular dystrophy 4, autosomal dominant; Autosomal recessive ataxia, Beauce type. Last evaluated: 2024-12-23. Review status: criteria provided, single submitter. Criteria: Invitae Variant Classification Sherloc (09022015). Collection method: clinical testing. Allele origin: germline.
Comment: This sequence change replaces valine, which is neutral and non-polar, with isoleucine, which is neutral and non-polar, at codon 61 of the SYNE1 protein (p.Val61Ile). This variant is present in population databases (rs151156420, gnomAD 0.1%). This variant has not been reported in the literature in individuals affected with SYNE1-related conditions. ClinVar contains an entry for this variant (Variation ID: 596927). An algorithm developed to predict the effect of missense changes on protein structure and function outputs the following: PolyPhen-2: "Benign". The isoleucine amino acid residue is found in multiple mammalian species, which suggests that this missense change does not adversely affect protein function. In summary, the available evidence is currently insufficient to determine the role of this variant in disease. Therefore, it has been classified as a Variant of Uncertain Significance.

GeneDx
Classification: Uncertain significance. Last evaluated: 2024-12-18. Review status: criteria provided, single submitter. Criteria: GeneDx Variant Classification Process June 2021. Collection method: clinical testing. Allele origin: germline. Affected: yes.
Comment: Reported previously as a heterozygous variant in a patient with peripheral cone dystrophy who also harbored multiple heterozygous variants in other genes (PMID: 30116628); In silico analysis indicates that this missense variant does not alter protein structure/function; This variant is associated with the following publications: (PMID: 30116628)

Blueprint Genetics
Classification: Likely benign. Last evaluated: 2024-10-24. Review status: criteria provided, single submitter. Criteria: ACMG Guidelines, 2015. Collection method: clinical testing. Allele origin: germline.

Revvity Omics, Revvity
Classification: Uncertain significance. Last evaluated: 2024-07-29. Review status: criteria provided, single submitter. Criteria: ACMG Guidelines, 2015. Collection method: clinical testing. Allele origin: germline.

Ambry Genetics
Classification: Uncertain significance for Inborn genetic diseases. Last evaluated: 2021-08-13. Review status: criteria provided, single submitter. Criteria: Ambry Variant Classification Scheme 2023. Collection method: clinical testing. Allele origin: germline.

Eurofins Ntd Llc (ga)
Classification: Uncertain significance. Last evaluated: 2018-04-24. Review status: criteria provided, single submitter. Criteria: EGL ClinVar v180209 classification definitions. Collection method: clinical testing. Allele origin: germline. Observed: 1 variant allele, 1 heterozygote.

Literature cited by the submitters: PubMed 30116628 (cited by Mayo Clinic Laboratories, Mayo Clinic).

NM_182961.4(SYNE1):c.181G>A (p.Val61Ile)

Gene: SYNE1 (spectrin repeat containing nuclear envelope protein 1; minus strand). Cytogenetic location: 6q25.2.
Variant type: single nucleotide variant.
Coding change: c.181G>A on transcript NM_182961.4 (MANE Select); coding-DNA position 181, G replaced by A.
Protein change: p.Val61Ile; replaces valine 61 with isoleucine.
Molecular consequence: missense variant.
Genome position (GRCh38, 1-based): chr6:152,526,124, C>T on the plus strand (G>A on the coding strand, the complement: SYNE1 is on the minus strand). VCF-style: chr6-152526124-C-T. GRCh37 (hg19) VCF-style: chr6-152847259-C-T.
Other names: p.Val61Ile; c.181G>A, p.Val61Ile (NM_033071.5); short protein forms V61I.
Identifiers: ClinVar variation 596927 (VCV000596927.19), dbSNP rs151156420, ClinGen allele CA4059847.